The following is an entry in ClinVar:

NM_053025.4(MYLK):c.4778G>A (p.Cys1593Tyr)

Gene: MYLK (myosin light chain kinase; minus strand). Cytogenetic location: 3q21.1.
Variant type: single nucleotide variant.
Coding change: c.4778G>A on transcript NM_053025.4 (MANE Select); coding-DNA position 4778, G replaced by A.
Protein change: p.Cys1593Tyr; replaces cysteine 1593 with tyrosine.
Molecular consequence: missense variant.
Genome position (GRCh38, 1-based): chr3:123,640,346, C>T on the plus strand (G>A on the coding strand, the complement: MYLK is on the minus strand). VCF-style: chr3-123640346-C-T. GRCh37 (hg19) VCF-style: chr3-123359193-C-T.
Other names: c.4250G>A, p.Cys1417Tyr (NM_001321309.2); c.4571G>A, p.Cys1524Tyr (NM_053026.4, NM_053028.4); c.4778G>A, p.Cys1593Tyr (NM_053027.4); short protein forms C1417Y, C1593Y, C1524Y.
Identifiers: ClinVar variation 4635446 (VCV004635446.1).

ClinVar aggregate classification (germline): Uncertain significance (1 of 4 stars; one submission).

Conditions:
Familial thoracic aortic aneurysm and aortic dissection (TAAD). Also called: Thoracic aortic aneurysms and dissections. Identifiers: Orphanet 91387, MedGen C4707243, MONDO:0019625.

Submission:

Ambry Genetics
Classification: Uncertain significance for Familial thoracic aortic aneurysm and aortic dissection. Last evaluated: 2025-11-04. Review status: criteria provided, single submitter. Criteria: Ambry Variant Classification Scheme 2023. Collection method: clinical testing. Allele origin: germline.
Comment: The p.C1593Y variant (also known as c.4778G>A), located in coding exon 25 of the MYLK gene, results from a G to A substitution at nucleotide position 4778. The cysteine at codon 1593 is replaced by tyrosine, an amino acid with highly dissimilar properties. This amino acid position is conserved. In addition, this alteration is predicted to be deleterious by in silico analysis. Based on the available evidence, the clinical significance of this variant remains unclear.